The following is an entry in ClinVar:

ClinVar aggregate classification (germline): Pathogenic. Review status: criteria provided, single submitter (1 of 4 stars). 3 submissions from 3 submitters: Pathogenic (1). 2 of the submissions do not count toward it. Last evaluated 2023-10-31.

Conditions:
Severe X-linked myotubular myopathy (CNMX). Also called: Myotubular myopathy, X-linked; MYOTUBULAR MYOPATHY 1; X-linked centronuclear myopathy. Identifiers: Orphanet 596, MedGen C0410203, MONDO:0010683, OMIM 310400.
Charcot-Marie-Tooth disease dominant intermediate B (CMTDIB). Also called: CHARCOT-MARIE-TOOTH NEUROPATHY, DOMINANT INTERMEDIATE B; Charcot-Marie-Tooth disease dominant intermediate 1; CMT DI1; Charcot-Marie-Tooth disease dominant intermediate I. Identifiers: Orphanet 100044, Orphanet 228179, MedGen C1847902, MONDO:0011674, OMIM 606482.

Submissions (3):

GeneDx
Classification: Pathogenic. Last evaluated: 2023-10-31. Review status: criteria provided, single submitter. Criteria: GeneDx Variant Classification Process June 2021. Collection method: clinical testing. Allele origin: germline. Affected: yes.
Comment: Published functional studies demonstrate a damaging effect with increased GTPase activity (PMID: 20700106); Not observed at significant frequency in large population cohorts (gnomAD); In silico analysis supports that this missense variant has a deleterious effect on protein structure/function; This variant is associated with the following publications: (PMID: 24077912, 20700106, 17932957, 25214167, 16227997)

Inherited Neuropathy Consortium Ii, University Of Miami
Classification: Uncertain significance for Charcot-Marie-Tooth disease dominant intermediate B. Last evaluated: 2016-01-06. Review status: no assertion criteria provided. Collection method: literature only. Allele origin: germline. Affected: yes. Not counted in ClinVar's aggregate classification.

OMIM
Classification: Pathogenic for MYOPATHY, CENTRONUCLEAR, 1. Last evaluated: 2007-12-01. Review status: no assertion criteria provided. Collection method: literature only. Allele origin: germline. Not counted in ClinVar's aggregate classification.

Literature cited by the submitters: PubMed 17932957 (cited by Inherited Neuropathy Consortium Ii, University Of Miami and OMIM).

NM_001005361.3(DNM2):c.1856C>G (p.Ser619Trp)

Gene: DNM2 (dynamin 2; plus strand). Cytogenetic location: 19p13.2.
Variant type: single nucleotide variant.
Coding change: c.1856C>G on transcript NM_001005361.3 (MANE Select); coding-DNA position 1856, C replaced by G.
Protein change: p.Ser619Trp; replaces serine 619 with tryptophan.
Molecular consequence: missense variant.
Genome position (GRCh38, 1-based): chr19:10,823,862, C>G. VCF-style: chr19-10823862-C-G. GRCh37 (hg19) VCF-style: chr19-10934538-C-G.
Other names: c.1856C>G, p.Ser619Trp (NM_001005360.3, NM_001190716.2); c.1844C>G, p.Ser615Trp (NM_001005362.3, NM_004945.4); c.1856C>G (NM_001005360.2); short protein forms S619W, S615W.
Identifiers: ClinVar variation 7286 (VCV000007286.5), dbSNP rs121909095, ClinGen allele CA254140.